The following is an entry in ClinVar:

NM_201384.3(PLEC):c.9823C>T (p.Arg3275Cys)

Gene: PLEC (plectin; minus strand). Cytogenetic location: 8q24.3.
Variant type: single nucleotide variant.
Coding change: c.9823C>T on transcript NM_201384.3 (MANE Select); coding-DNA position 9823, C replaced by T.
Protein change: p.Arg3275Cys; replaces arginine 3275 with cysteine.
Molecular consequence: missense variant.
Genome position (GRCh38, 1-based): chr8:143,919,998, G>A on the plus strand (C>T on the coding strand, the complement: PLEC is on the minus strand). VCF-style: chr8-143919998-G-A. GRCh37 (hg19) VCF-style: chr8-144994166-G-A.
Other names: c.9904C>T, p.Arg3302Cys (NM_000445.5); c.9781C>T, p.Arg3261Cys (NM_201378.4); c.9757C>T, p.Arg3253Cys (NM_201379.3); c.10234C>T, p.Arg3412Cys (NM_201380.4); c.9727C>T, p.Arg3243Cys (NM_201381.3); c.9823C>T, p.Arg3275Cys (NM_201382.4); c.9835C>T, p.Arg3279Cys (NM_201383.3); short protein forms R3243C, R3253C, R3261C, R3275C, R3279C, R3302C, R3412C.
Identifiers: ClinVar variation 423095 (VCV000423095.13), dbSNP rs782733657, ClinGen allele CA4924844.

ClinVar aggregate classification (germline): Uncertain significance. Review status: criteria provided, multiple submitters, no conflicts (2 of 4 stars). 3 submissions from 3 submitters: Uncertain significance (3). Last evaluated 2023-04-16.

Conditions:
Epidermolysis bullosa simplex with nail dystrophy (EBS5D). Identifiers: MedGen C4225309, MONDO:0014661, OMIM 616487.
Autosomal recessive limb-girdle muscular dystrophy type 2Q (LGMDR17). Also called: MUSCULAR DYSTROPHY, LIMB-GIRDLE, AUTOSOMAL RECESSIVE 17. Identifiers: Orphanet 254361, MedGen C3150989, MONDO:0013390, OMIM 613723.
Epidermolysis bullosa simplex 5B, with muscular dystrophy (EBS5B). Also called: Epidermolysis bullosa simplex with muscular dystrophy; EPIDERMOLYSIS BULLOSA SIMPLEX AND LIMB-GIRDLE MUSCULAR DYSTROPHY. Identifiers: Orphanet 257, MedGen C2931072, MONDO:0009181, OMIM 226670.
Epidermolysis bullosa simplex, Ogna type (EBS5A). Also called: Pidermolysis bullosa simplex 5A, Ogna type; EPIDERMOLYSIS BULLOSA SIMPLEX 5A, OGNA TYPE. Identifiers: Orphanet 79401, MedGen C0432317, MONDO:0007555, OMIM 131950.
Epidermolysis bullosa simplex 5C, with pyloric atresia (EBS5C). Also called: Epidermolysis bullosa simplex with pyloric atresia; PLEC1-Related Epidermolysis Bullosa with Pyloric Atresia; PLEC-Related Epidermolysis Bullosa with Pyloric Atresia. Identifiers: Orphanet 158684, MedGen C2677349, MONDO:0012807, OMIM 612138.

Allele frequency attached by ClinVar (database versions not stated): ExAC 0.00002; gnomAD 0.00002; gnomAD exomes 0.00002; TOPMed 0.00002.
gnomAD v4.1: 34 of 1,613,162 alleles (0.0021%); highest among the groups gnomAD compares: Admixed American, 0.0083%; no homozygotes.

Submissions (3):

Labcorp Genetics (formerly Invitae), Labcorp
Classification: Uncertain significance for Autosomal recessive limb-girdle muscular dystrophy type 2Q; Epidermolysis bullosa simplex, Ogna type; Epidermolysis bullosa simplex with nail dystrophy; Epidermolysis bullosa simplex 5C, with pyloric atresia; Epidermolysis bullosa simplex 5B, with muscular dystrophy. Last evaluated: 2023-04-16. Review status: criteria provided, single submitter. Criteria: Invitae Variant Classification Sherloc (09022015). Collection method: clinical testing. Allele origin: germline.
Comment: This sequence change replaces arginine, which is basic and polar, with cysteine, which is neutral and slightly polar, at codon 3302 of the PLEC protein (p.Arg3302Cys). This variant is present in population databases (rs782733657, gnomAD 0.006%). This variant has not been reported in the literature in individuals affected with PLEC-related conditions. ClinVar contains an entry for this variant (Variation ID: 423095). An algorithm developed to predict the effect of missense changes on protein structure and function (PolyPhen-2) suggests that this variant is likely to be disruptive. In summary, the available evidence is currently insufficient to determine the role of this variant in disease. Therefore, it has been classified as a Variant of Uncertain Significance.

Athena Diagnostics
Classification: Uncertain significance. Last evaluated: 2020-06-05. Review status: criteria provided, single submitter. Criteria: Athena Diagnostics Criteria. Collection method: clinical testing. Allele origin: unknown.

GeneDx
Classification: Uncertain significance. Last evaluated: 2017-09-11. Review status: criteria provided, single submitter. Criteria: GeneDx Variant Classification (06012015). Collection method: clinical testing. Allele origin: germline. Affected: yes.
Comment: The R3302C variant in the PLEC gene has not been reported previously as a pathogenic variant, nor as a benign variant, to our knowledge. The R3302C variant is not observed at a significant frequency in large population cohorts (Lek et al., 2016; 1000 Genomes Consortium et al., 2015; Exome Variant Server). The R3302C variant is a non-conservative amino acid substitution, which is likely to impact secondary protein structure as these residues differ in polarity, charge, size and/or other properties. This substitution occurs at a position where amino acids with similar properties to Arginine are tolerated across species. In silico analysis predicts this variant is probably damaging to the protein structure/function. We interpret R3302C as a variant of uncertain significance.